The following is an entry in ClinVar:

NM_020376.4(PNPLA2):c.890T>C (p.Leu297Pro)

Gene: PNPLA2 (patatin like domain 2, triacylglycerol lipase; plus strand). Cytogenetic location: 11p15.5.
Variant type: single nucleotide variant.
Coding change: c.890T>C on transcript NM_020376.4 (MANE Select); coding-DNA position 890, T replaced by C.
Protein change: p.Leu297Pro; replaces leucine 297 with proline.
Molecular consequence: missense variant.
Genome position (GRCh38, 1-based): chr11:823,826, T>C. VCF-style: chr11-823826-T-C. GRCh37 (hg19) VCF-style: chr11-823826-T-C.
Other names: short protein forms L297P.
Identifiers: ClinVar variation 1365177 (VCV001365177.8), dbSNP rs764543019, ClinGen allele CA5791215.

ClinVar aggregate classification (germline): Uncertain significance (1 of 4 stars; one submission).

Conditions:
Neutral lipid storage myopathy (NLSDM). Also called: NEUTRAL LIPID STORAGE DISEASE WITHOUT ICHTHYOSIS. Identifiers: Orphanet 98908, MedGen C1853136, MONDO:0012545, OMIM 610717.

Allele frequency attached by ClinVar (database versions not stated): gnomAD exomes below 0.00001 and 0.00001; TOPMed 0.00001; ExAC 0.00002.
gnomAD v4.1: 7 of 1,592,998 alleles (0.00044%); highest among the groups gnomAD compares: South Asian, 0.0011%; no homozygotes.

Submission:

Labcorp Genetics (formerly Invitae), Labcorp
Classification: Uncertain significance for Neutral lipid storage myopathy. Last evaluated: 2021-08-21. Review status: criteria provided, single submitter. Criteria: Invitae Variant Classification Sherloc (09022015). Collection method: clinical testing. Allele origin: germline.
Comment: In summary, the available evidence is currently insufficient to determine the role of this variant in disease. Therefore, it has been classified as a Variant of Uncertain Significance. Algorithms developed to predict the effect of missense changes on protein structure and function are either unavailable or do not agree on the potential impact of this missense change (SIFT: "Deleterious"; PolyPhen-2: "Possibly Damaging"; Align-GVGD: "Class C0"). This variant has not been reported in the literature in individuals with PNPLA2-related conditions. This variant is present in population databases (rs764543019, ExAC 0.009%). This sequence change replaces leucine with proline at codon 297 of the PNPLA2 protein (p.Leu297Pro). The leucine residue is moderately conserved and there is a moderate physicochemical difference between leucine and proline.